The following is an entry in ClinVar:

ClinVar aggregate classification (germline): Likely benign (1 of 4 stars; one submission).

Allele frequency attached by ClinVar (database versions not stated): TOPMed below 0.00001; gnomAD 0.00001.
gnomAD v4.1: 4 of 1,613,974 alleles (0.00025%); highest among the groups gnomAD compares: African/African-American, 0.004%; no homozygotes.

Submission:

CeGaT Center for Human Genetics Tuebingen
Classification: Likely benign. Last evaluated: 2023-08-01. Review status: criteria provided, single submitter. Criteria: CeGaT Center For Human Genetics Tuebingen Variant Classification Criteria Version 2. Collection method: clinical testing. Allele origin: germline. Affected: yes. Observed: 1 variant allele.
Comment: REST: BP4, BP7

NM_005612.5(REST):c.831A>T (p.Thr277=)

Gene: REST (RE1 silencing transcription factor; plus strand). Cytogenetic location: 4q12.
Variant type: single nucleotide variant.
Coding change: c.831A>T on transcript NM_005612.5 (MANE Select); coding-DNA position 831, A replaced by T.
Protein change: p.Thr277=; no amino-acid change (threonine 277 retained).
Molecular consequence: synonymous variant.
Genome position (GRCh38, 1-based): chr4:56,911,469, A>T. VCF-style: chr4-56911469-A-T. GRCh37 (hg19) VCF-style: chr4-57777635-A-T.
Other names: c.831A>T, p.Thr277= (NM_001193508.2, NM_001363453.3).
Identifiers: ClinVar variation 2654773 (VCV002654773.24), dbSNP rs1719907057, ClinGen allele CA439635817.